The following is an entry in ClinVar:

Single allele

Variant type: Deletion.
Identifiers: ClinVar variation 157185 (VCV000157185.2).

ClinVar aggregate classification (germline): not provided. Review status: no classification provided (0 of 4 stars). 2 submissions from 1 submitter: not provided (2).

Conditions:
Normal pregnancy. Identifiers: MedGen C0232989.
Large for gestational age. Identifiers: MedGen C1848395, HP:0001520.

Submissions (2):

Institute of Molecular and Cell Biology, University of Tartu
No classification provided. Condition: Normal pregnancy. Review status: no classification provided. Collection method: case-control. Allele origin: unknown. Affected: yes. Study: Kasak2014.
Comment: The study aimed to determine the contribution of copy number variants in the genetic etiology of normal and complicated pregnancies. The samples represented (i) maternal blood DNA drawn from healthy pregnant women during 1st or 2nd trimester and (ii) maternal and paternal blood DNA drawn at term pregnancy cases representing normal and complicated gestations (severe preeclampsia, PE; gestational diabetes, GD; small-for-gestational age newborn, SGA; large-for-gestational age newborn, LGA). We performed CNV calling based on genome-wide genotyping dataset (Illumina HumanOmniExpress-24-v1 BeadChip) by applying three algorithms, QuantiSNP, GADA (Genome Alteration Detection Algorithm) and CNstream in parallel. The acquired CNV calls were merged with HD-CNV (Hotspot Detector for Copy Number Variants) program and only the CNVs predicted by at least two programs, were considered in subsequent analysis.

Institute of Molecular and Cell Biology, University of Tartu
No classification provided. Condition: Large for gestational age. Review status: no classification provided. Collection method: case-control. Allele origin: unknown. Affected: yes. Study: Kasak2014.
Comment: the same text as in the submission from Institute of Molecular and Cell Biology, University of Tartu above.

Literature cited by the submitters: PubMed 25666259.